The following is an entry in ClinVar:

NM_000390.4(CHM):c.350_351inv (p.Ala117Val)

Genes: CHM (CHM Rab escort protein; minus strand), LOC129391306 (MPRA-validated peak7401 silencer; plus strand). Cytogenetic location: Xq21.2.
Variant type: Inversion.
Coding change: c.350_351inv on transcript NM_000390.4 (MANE Select).
Protein change: p.Ala117Val; replaces alanine 117 with valine.
Molecular consequence: missense variant. On other transcripts: 5 prime UTR variant (4).
Genome position: GRCh38 VCF-style: chrX-85964016-TG-CA. GRCh37 (hg19) VCF-style: chrX-85219021-TG-CA.
Other names: c.-95_-94inv (NM_001362517.1, NM_001362518.2, NM_001362519.1 and 1 more transcripts); short protein forms A117V.
Identifiers: ClinVar variation 2182432 (VCV002182432.1), ClinGen allele CA2580102041.
Genomic context (GRCh38, chrX:85,964,016, plus strand): 5'-GGCAGAATCTGCAGCTTCTGTGGAGTTTGCAGATGTCACAAGAGCATGATTTTTCTGCAG[TG>CA]CACCAGCTTCTTCGACATCTTCATGCAAATCCTGACTAATAAGAAATATAATAATAAACA-3'
Protein context (NP_000381.1, residues 107-127): DLHEDVEEAG[Ala117Val]LQKNHALVTS

ClinVar aggregate classification (germline): Uncertain significance (1 of 4 stars; one submission).

Submission:

Labcorp Genetics (formerly Invitae), Labcorp
Classification: Uncertain significance. Last evaluated: 2022-08-30. Review status: criteria provided, single submitter. Criteria: Invitae Variant Classification Sherloc (09022015). Collection method: clinical testing. Allele origin: germline.
Comment: This sequence change replaces alanine, which is neutral and non-polar, with valine, which is neutral and non-polar, at codon 117 of the CHM protein (p.Ala117Val). The frequency data for this variant in the population databases is considered unreliable, as metrics indicate poor data quality at this position in the gnomAD database. This variant has not been reported in the literature in individuals affected with CHM-related conditions. Algorithms developed to predict the effect of missense changes on protein structure and function are either unavailable or do not agree on the potential impact of this missense change (SIFT: "Not Available"; PolyPhen-2: "Probably Damaging"; Align-GVGD: "Not Available"). In summary, the available evidence is currently insufficient to determine the role of this variant in disease. Therefore, it has been classified as a Variant of Uncertain Significance.